The following is an entry in ClinVar:

ClinVar aggregate classification (germline): Uncertain significance (1 of 4 stars; one submission).

Conditions:
PKD1L1-related disorder. Also called: PKD1L1-related condition.

Submission:

PreventionGenetics, part of Exact Sciences
Classification: Uncertain significance for PKD1L1-related condition. Last evaluated: 2025-04-24. Review status: criteria provided, single submitter. Criteria: ACMG Guidelines, 2015. Collection method: clinical testing. Allele origin: germline.
Comment: The PKD1L1 c.7243G>A variant is predicted to result in the amino acid substitution p.Glu2415Lys. To our knowledge, this variant has not been reported in the literature or in a large population database (gnomAD), indicating this variant is rare. At this time, the clinical significance of this variant is uncertain due to the absence of conclusive functional and genetic evidence.

NM_138295.5(PKD1L1):c.7243G>A (p.Glu2415Lys)

Genes: PKD1L1 (polycystin 1 like 1, transient receptor potential channel interacting; minus strand), PKD1L1-AS1 (PKD1L1 antisense RNA 1; plus strand). Cytogenetic location: 7p12.3.
Variant type: single nucleotide variant.
Coding change: c.7243G>A on transcript NM_138295.5 (MANE Select); coding-DNA position 7243, G replaced by A.
Protein change: p.Glu2415Lys; replaces glutamic acid 2415 with lysine.
Molecular consequence: missense variant.
Genome position (GRCh38, 1-based): chr7:47,813,224, C>T on the plus strand (G>A on the coding strand, the complement: PKD1L1 is on the minus strand). VCF-style: chr7-47813224-C-T. GRCh37 (hg19) VCF-style: chr7-47852822-C-T.
Other names: short protein forms E2415K.
Identifiers: ClinVar variation 5001045 (VCV005001045.1).